The following is an entry in ClinVar:

NM_001162501.2(TNRC6B):c.4332_4333del (p.Leu1445fs)

Gene: TNRC6B (trinucleotide repeat containing adaptor 6B; plus strand). Cytogenetic location: 22q13.1.
Variant type: Microsatellite.
Coding change: c.4332_4333del on transcript NM_001162501.2 (MANE Select); coding-DNA positions 4332 to 4333, 2 bases deleted (AC; older notation c.4332_4333delAC).
Protein change: p.Leu1445fs; shifts the reading frame from leucine 1445.
Molecular consequence: frameshift variant.
Genome position (GRCh38, 1-based): chr22:40,310,890-40,310,891, AC deleted; deleting any 2 consecutive bases within chr22:40,310,886-40,310,891 gives the same sequence; the c. name uses the placement nearest the transcript's 3' end. VCF-style (leftmost placement, unchanged base first): chr22-40310885-GAC-G. GRCh37 (hg19) VCF-style: chr22-40706889-GAC-G.
Other names: c.1920_1921del, p.Leu641fs (NM_001024843.2); c.4002_4003del, p.Leu1335fs (NM_015088.3); short protein forms L1335fs, L1445fs, L641fs.
Identifiers: ClinVar variation 3376271 (VCV003376271.1).
Genomic context (GRCh38, chr22:40,310,885, plus strand): 5'-GTGGCCCCTGGTAAAACCCGGGGAGGGTCACCGTACAACCAGTTTGATATCATCCCTGGT[GAC>G]ACACTGGGTGGCCATACGGGTCCTGCTGGTGATAGCTGGTTACCTGCCAAATCTCCACCA-3'

ClinVar aggregate classification (germline): Likely pathogenic (1 of 4 stars; one submission).

Conditions:
Global developmental delay with speech and behavioral abnormalities. Identifiers: MedGen C5543226, MONDO:0030995, OMIM 619243.

Submission:

Pittsburgh Clinical Genomics Laboratory, University of Pittsburgh Medical Center
Classification: Likely pathogenic for Global developmental delay with speech and behavioral abnormalities. Last evaluated: 2023-08-11. Review status: criteria provided, single submitter. Criteria: ACMG Guidelines, 2015. Collection method: clinical testing. Allele origin: germline. Inheritance: Autosomal dominant inheritance. Affected: yes.
Comment: This sequence variant is deletion of coding nucleotides 4332-4333 of the TNRC6B gene that results in an early termition sigl 9 codons downstream of the frameshift at codon 1445. As it occurs in exon 17 of 23, this variant is predicted to generate a non-functiol allele through either the expression of a truncated protein or a loss of TNRC6B expression due to nonsense-mediated decay. This variant is absent from ClinVar and medical publications. This variant is absent from the gnomAD population database (0/~246000 alleles). Haploinsufficiency in TNRC6B is a known mechanism of disease. Based upon the evidence, we consider this variant to be likely pathogenic. ACMG Criteria: BP5, PM2, PVS1